The following is an entry in ClinVar:

NM_000254.3(MTR):c.1583G>C (p.Gly528Ala)

Gene: MTR (5-methyltetrahydrofolate-homocysteine methyltransferase; plus strand). Cytogenetic location: 1q43.
Variant type: single nucleotide variant.
Coding change: c.1583G>C on transcript NM_000254.3 (MANE Select); coding-DNA position 1583, G replaced by C.
Protein change: p.Gly528Ala; replaces glycine 528 with alanine.
Molecular consequence: missense variant.
Genome position (GRCh38, 1-based): chr1:236,850,411, G>C. VCF-style: chr1-236850411-G-C. GRCh37 (hg19) VCF-style: chr1-237013711-G-C.
Other names: c.1583G>C, p.Gly528Ala (NM_001291939.1); c.362G>C, p.Gly121Ala (NM_001291940.2); c.1583G>C (NM_000254.2); short protein forms G528A, G121A.
Identifiers: ClinVar variation 1429523 (VCV001429523.6), dbSNP rs1663831931, ClinGen allele CA345373921.

ClinVar aggregate classification (germline): Uncertain significance. Review status: criteria provided, multiple submitters, no conflicts (2 of 4 stars). 2 submissions from 2 submitters: Uncertain significance (2). Last evaluated 2023-07-05.

Conditions:
Methylcobalamin deficiency type cblG (HMAG). Also called: HOMOCYSTINURIA-MEGALOBLASTIC ANEMIA DUE TO DEFECT IN COBALAMIN METABOLISM, cblG COMPLEMENTATION TYPE; HOMOCYSTINURIA-MEGALOBLASTIC ANEMIA, cblG COMPLEMENTATION TYPE; HOMOCYSTINURIA-MEGALOBLASTIC ANEMIA, cblG TYPE; Functional methionine synthase deficiency type cblG. Identifiers: Orphanet 2170, Orphanet 622, MedGen C1855128, MONDO:0009609, OMIM 250940.
Inborn genetic diseases. Identifiers: MedGen C0950123, MeSH D030342.

Allele frequency attached by ClinVar (database versions not stated): gnomAD 0.00001; gnomAD exomes 0.00001.
gnomAD v4.1: 8 of 1,613,526 alleles (0.0005%); highest among the groups gnomAD compares: African/African-American, 0.0013%; no homozygotes.

Submissions (2):

Ambry Genetics
Classification: Uncertain significance for Inborn genetic diseases. Last evaluated: 2023-07-05. Review status: criteria provided, single submitter. Criteria: Ambry Variant Classification Scheme 2023. Collection method: clinical testing. Allele origin: germline.

Labcorp Genetics (formerly Invitae), Labcorp
Classification: Uncertain significance for Methylcobalamin deficiency type cblG. Last evaluated: 2022-08-09. Review status: criteria provided, single submitter. Criteria: Invitae Variant Classification Sherloc (09022015). Collection method: clinical testing. Allele origin: germline.
Comment: This sequence change replaces glycine, which is neutral and non-polar, with alanine, which is neutral and non-polar, at codon 528 of the MTR protein (p.Gly528Ala). This variant is not present in population databases (gnomAD no frequency). This variant has not been reported in the literature in individuals affected with MTR-related conditions. ClinVar contains an entry for this variant (Variation ID: 1429523). Algorithms developed to predict the effect of missense changes on protein structure and function output the following: SIFT: "Deleterious"; PolyPhen-2: "Benign"; Align-GVGD: "Class C0". The alanine amino acid residue is found in multiple mammalian species, which suggests that this missense change does not adversely affect protein function. In summary, the available evidence is currently insufficient to determine the role of this variant in disease. Therefore, it has been classified as a Variant of Uncertain Significance.